The following is an entry in ClinVar:

ClinVar aggregate classification (germline): Uncertain significance (1 of 4 stars; one submission).

Allele frequency attached by ClinVar (database versions not stated): gnomAD 0.00001; TOPMed 0.00001.
gnomAD v4.1: 4 of 1,613,586 alleles (0.00025%); highest among the groups gnomAD compares: Middle Eastern, 0.016%; no homozygotes.

Submission:

Labcorp Genetics (formerly Invitae), Labcorp
Classification: Uncertain significance. Last evaluated: 2023-04-30. Review status: criteria provided, single submitter. Criteria: Invitae Variant Classification Sherloc (09022015). Collection method: clinical testing. Allele origin: germline.
Comment: In summary, the available evidence is currently insufficient to determine the role of this variant in disease. Therefore, it has been classified as a Variant of Uncertain Significance. Variants that disrupt the consensus splice site are a relatively common cause of aberrant splicing (PMID: 17576681, 9536098). Algorithms developed to predict the effect of sequence changes on RNA splicing suggest that this variant is not likely to affect RNA splicing. This variant has not been reported in the literature in individuals affected with IDH3B-related conditions. This variant is present in population databases (no rsID available, gnomAD 0.006%). This sequence change falls in intron 2 of the IDH3B gene. It does not directly change the encoded amino acid sequence of the IDH3B protein. It affects a nucleotide within the consensus splice site.

Literature cited by the submitters: PubMed 17576681; PubMed 9536098.

NM_006899.5(IDH3B):c.117+3A>G

Gene: IDH3B (isocitrate dehydrogenase (NAD(+)) 3 non-catalytic subunit beta; minus strand). Cytogenetic location: 20p13.
Variant type: single nucleotide variant.
Coding change: c.117+3A>G on transcript NM_006899.5 (MANE Select); 3 bases into the intron after coding-DNA position 117, A replaced by G.
Molecular consequence: intron variant.
Genome position (GRCh38, 1-based): chr20:2,663,922, T>C on the plus strand (A>G on the coding strand, the complement: IDH3B is on the minus strand). VCF-style: chr20-2663922-T-C. GRCh37 (hg19) VCF-style: chr20-2644568-T-C.
Other names: c.117+3A>G (NM_174855.4, NM_001330763.2, NM_001258384.3).
Identifiers: ClinVar variation 2715355 (VCV002715355.3), dbSNP rs1209846459, ClinGen allele CA634327725.
Genomic context (GRCh38, chr20:2,663,922, plus strand): 5'-GGGGAGGGAGCAGCGAGGAAGGGACAGGGTCGTAAGAGAGACCCCAGCCAGATTCGTGCA[T>C]ACCTGGCTCCGCGATGCAGCGTGCGCCGCGGCCGAGGTACTCAGACCTCTCCATGCCCCA-3'